The following is an entry in ClinVar:

ClinVar aggregate classification (germline): Likely pathogenic (1 of 4 stars; one submission).

Conditions:
KATNB1-related disorder. Also called: KATNB1-related condition.

Submission:

PreventionGenetics, part of Exact Sciences
Classification: Likely pathogenic for KATNB1-related condition. Last evaluated: 2022-08-23. Review status: criteria provided, single submitter. Criteria: ACMG Guidelines, 2015. Collection method: clinical testing. Allele origin: germline.
Comment: The KATNB1 c.508_509delinsCATCTG variant is predicted to result in a frameshift and premature protein termination (p.Thr170Hisfs*16). To our knowledge, this variant has not been reported in the literature or in a large population database, indicating this variant is rare. Frameshift variants in KATNB1 are expected to be pathogenic. This variant is interpreted as likely pathogenic.

NM_005886.3(KATNB1):c.508_509delinsCATCTG (p.Thr170fs)

Gene: KATNB1 (katanin regulatory subunit B1; plus strand). Cytogenetic location: 16q21.
Variant type: Indel.
Coding change: c.508_509delinsCATCTG on transcript NM_005886.3 (MANE Select); coding-DNA positions 508 to 509, AC replaced by CATCTG.
Protein change: p.Thr170fs; shifts the reading frame from threonine 170.
Molecular consequence: frameshift variant.
Genome position (GRCh38, 1-based): chr16:57,751,716-57,751,717, AC replaced by CATCTG. VCF-style: chr16-57751716-AC-CATCTG. GRCh37 (hg19) VCF-style: chr16-57785628-AC-CATCTG.
Other names: short protein forms T170fs.
Identifiers: ClinVar variation 2636375 (VCV002636375.1), dbSNP rs2506910748, ClinGen allele CA2695197655.
Genomic context (GRCh38, chr16:57,751,716, plus strand): 5'-GTGCGGTGTCTCCGGTTCAGCCCCGATGGGAAGTGGTTGGCGTCGGCCGCAGATGACCAC[AC>CATCTG]CGTGAAGGTAGCTCCCGGCCTGACCTGGGCCCAGGGGCTGGGGGCTGGGGTCTGCTGATC-3'